The following is an entry in ClinVar:

ClinVar aggregate classification (germline): Pathogenic/Likely pathogenic. Review status: criteria provided, multiple submitters, no conflicts (2 of 4 stars). 2 submissions from 2 submitters: Pathogenic (1); Likely pathogenic (1). Last evaluated 2024-06-07.

Conditions:
Mucopolysaccharidosis, MPS-II (MPS2). Also called: Hunter Syndrome; Mucopolysaccharidosis with skin involvement; Mucopolysaccharidosis type 2; IDURONATE 2-SULFATASE DEFICIENCY; Mucopolysaccharidosis Type II; IDS deficiency. Identifiers: Orphanet 580, Orphanet 79388, MedGen C0026705, MONDO:0010674, OMIM 309900.

Submissions (2):

Laboratory of Diagnosis and Therapy of Lysosomal Disorders, University of Padova
Classification: Likely pathogenic for Mucopolysaccharidosis, MPS-II. Last evaluated: 2024-06-07. Review status: criteria provided, single submitter. Criteria: ACMG Guidelines, 2015. Collection method: literature only. Allele origin: germline. Affected: yes. Observed: 1 variant allele.
Comment: Absent from controls (or at low frequency) in gnomAD database (PM2_Moderate), Missense variant in a gene with a low rate of benign missense variation (PP2_Supporting), Multiple lines of computational evidence support a deleterious effect (PP3_Supporting), Patient’s phenotype or family history highly specific for the disease (PP4_Moderate)

Classification method: ACMG Guidelines [PMID:25741868] with modifications

IIFP, CONICET-UNLP
Classification: Pathogenic for Mucopolysaccharidosis, MPS-II. Last evaluated: 2010-06-25. Review status: criteria provided, single submitter. Criteria: ACMG Guidelines, 2007. Collection method: research. Allele origin: maternal. Inheritance: X-linked inheritance. Affected: yes. Observed: 1 variant allele.

Literature cited by the submitters: PubMed 27896113 (cited by Laboratory of Diagnosis and Therapy of Lysosomal Disorders, University of Padova); DOI 10.1016/j.ymgmr.2014.08.006 (cited by IIFP, CONICET-UNLP).

NM_000202.8(IDS):c.425C>A (p.Ser142Tyr)

Genes: IDS (iduronate 2-sulfatase; minus strand), LOC106050102 (IDS recombination region; plus strand). Cytogenetic location: Xq28.
Variant type: single nucleotide variant.
Coding change: c.425C>A on transcript NM_000202.8 (MANE Select); coding-DNA position 425, C replaced by A.
Protein change: p.Ser142Tyr; replaces serine 142 with tyrosine.
Molecular consequence: missense variant. On other transcripts: non-coding transcript variant (1).
Genome position (GRCh38, 1-based): chrX:149,501,031, G>T on the plus strand (C>A on the coding strand, the complement: IDS is on the minus strand). VCF-style: chrX-149501031-G-T. GRCh37 (hg19) VCF-style: chrX-148582562-G-T.
Other names: c.155C>A, p.Ser52Tyr (NM_001166550.4); c.425C>A, p.Ser142Tyr (NM_006123.5); short protein forms S142Y, S52Y.
Identifiers: ClinVar variation 221208 (VCV000221208.4), dbSNP rs193302908, ClinGen allele CA348964.